The following is an entry in ClinVar:

NM_001370259.2(MEN1):c.35C>G (p.Pro12Arg)

Gene: MEN1 (menin 1; minus strand). Cytogenetic location: 11q13.1.
Variant type: single nucleotide variant.
Coding change: c.35C>G on transcript NM_001370259.2 (MANE Select); coding-DNA position 35, C replaced by G.
Protein change: p.Pro12Arg; replaces proline 12 with arginine.
Molecular consequence: missense variant.
Genome position (GRCh38, 1-based): chr11:64,810,075, G>C on the plus strand (C>G on the coding strand, the complement: MEN1 is on the minus strand). VCF-style: chr11-64810075-G-C. GRCh37 (hg19) VCF-style: chr11-64577547-G-C.
Other names: c.35C>G, p.Pro12Arg (NM_000244.4, NM_001370251.2, NM_001370260.2 and 20 more transcripts); short protein forms P12R.
Identifiers: ClinVar variation 1733068 (VCV001733068.9), dbSNP rs794728614, ClinGen allele CA381188219.

ClinVar aggregate classification (germline): Likely pathogenic. Review status: criteria provided, multiple submitters, no conflicts (2 of 4 stars). 4 submissions from 4 submitters: Likely pathogenic (4). Last evaluated 2025-05-18.

Conditions:
Hereditary cancer-predisposing syndrome. Also called: Neoplastic Syndromes, Hereditary; Tumor predisposition; Hereditary Cancer Syndrome; Hereditary neoplastic syndrome. Identifiers: Orphanet 140162, MedGen C0027672, MeSH D009386, MONDO:0015356.
Multiple endocrine neoplasia, type 1 (MEN1). Also called: MEA I; MEN I; WERMER SYNDROME; Endocrine adenomatosis multiple; MEN 1. Identifiers: Orphanet 652, MedGen C0025267, MeSH D018761, MONDO:0007540, OMIM 131100.

Submissions (4):

Labcorp Genetics (formerly Invitae), Labcorp
Classification: Likely pathogenic for Multiple endocrine neoplasia, type 1. Last evaluated: 2025-05-18. Review status: criteria provided, single submitter. Criteria: Invitae Variant Classification Sherloc (09022015). Collection method: clinical testing. Allele origin: germline.
Comment: This sequence change replaces proline, which is neutral and non-polar, with arginine, which is basic and polar, at codon 12 of the MEN1 protein (p.Pro12Arg). This variant is not present in population databases (gnomAD no frequency). This missense change has been observed in individual(s) with clinical features of multiple endocrine neoplasia type 1 (internal data). ClinVar contains an entry for this variant (Variation ID: 1733068). Invitae Evidence Modeling of protein sequence and biophysical properties (such as structural, functional, and spatial information, amino acid conservation, physicochemical variation, residue mobility, and thermodynamic stability) indicates that this missense variant is expected to disrupt MEN1 protein function with a positive predictive value of 95%. This variant disrupts the p.Pro12 amino acid residue in MEN1. Other variant(s) that disrupt this residue have been determined to be pathogenic (PMID: 9215689, 12509449, 15254225, 21264250, 21819486, 22090276; internal data). This suggests that this residue is clinically significant, and that variants that disrupt this residue are likely to be disease-causing. In summary, the currently available evidence indicates that the variant is pathogenic, but additional data are needed to prove that conclusively. Therefore, this variant has been classified as Likely Pathogenic.

Women's Health and Genetics/Laboratory Corporation of America, LabCorp
Classification: Likely pathogenic for Multiple endocrine neoplasia, type 1. Last evaluated: 2024-12-24. Review status: criteria provided, single submitter. Criteria: LabCorp Variant Classification Summary - May 2015. Collection method: clinical testing. Allele origin: germline.
Comment: Variant summary: MEN1 c.35C>G (p.Pro12Arg) results in a non-conservative amino acid change in the encoded protein sequence. Five of five in-silico tools predict a damaging effect of the variant on protein function. Another variant at the same codon with sufficient evidence for pathogenicity (c.35C>T, p.Pro12Leu) has been reported in individuals with multiple endocrine neoplasia type 1, supporting a critical relevance of this residue to MEN1 protein function. The variant was absent in 231760 control chromosomes. c.35C>G has been reported in the literature and observed at our laboratory in individuals affected with Multiple Endocrine Neoplasia Type 1 (Christakis_2017, internal data). Young patients with multiple endocrine neoplasia type 1 and an exon 2 mutation appear to have a 2-fold greater risk for developing a pancreatic neuroendocrine tumor, and patients with an exon 2 mutation may be at greater risk for developing distant metastasis (Christakis_2017). To our knowledge, no experimental evidence demonstrating an impact on protein function has been reported. The following publications have been ascertained in the context of this evaluation (PMID: 29122330). ClinVar contains an entry for this variant (Variation ID: 1733068). Based on the evidence outlined above, the variant was classified as likely pathogenic.

GeneDx
Classification: Likely pathogenic. Last evaluated: 2024-04-02. Review status: criteria provided, single submitter. Criteria: GeneDx Variant Classification Process June 2021. Collection method: clinical testing. Allele origin: germline. Affected: yes.
Comment: Not observed at significant frequency in large population cohorts (gnomAD); In silico analysis supports that this missense variant has a deleterious effect on protein structure/function; Has not been previously published as pathogenic or benign to our knowledge; This variant is associated with the following publications: (PMID: 21819486, 29122330, 21264250, 9989505, 15254225, 22090276, 9215689, 12509449)

Ambry Genetics
Classification: Likely pathogenic for Hereditary cancer-predisposing syndrome. Last evaluated: 2023-01-20. Review status: criteria provided, single submitter. Criteria: Ambry Variant Classification Scheme 2023. Collection method: clinical testing. Allele origin: germline.
Comment: The p.P12R variant (also known as c.35C>G), located in coding exon 1 of the MEN1 gene, results from a C to G substitution at nucleotide position 35. The proline at codon 12 is replaced by arginine, an amino acid with dissimilar properties. This alteration has been observed in one individual with a pancreatic neuorendocrine tumor and hyperparathyroidism and another with pituitary adenoma and hyperparathyroidism (Ambry internal data). This amino acid position is highly conserved in available vertebrate species. This variant is considered to be rare based on population cohorts in the Genome Aggregation Database (gnomAD). In addition, this alteration is predicted to be deleterious by in silico analysis. Based on the majority of available evidence to date, this variant is likely to be pathogenic.

Literature cited by the submitters: PubMed 9215689 (cited by Labcorp Genetics (formerly Invitae), Labcorp); PubMed 12509449 (cited by Labcorp Genetics (formerly Invitae), Labcorp); PubMed 15254225 (cited by Labcorp Genetics (formerly Invitae), Labcorp); PubMed 21264250 (cited by Labcorp Genetics (formerly Invitae), Labcorp); PubMed 21819486 (cited by Labcorp Genetics (formerly Invitae), Labcorp); PubMed 22090276 (cited by Labcorp Genetics (formerly Invitae), Labcorp); PubMed 29122330 (cited by Women's Health and Genetics/Laboratory Corporation of America, LabCorp).